The following is an entry in ClinVar:

NM_001371727.1(GABRB2):c.1174G>C (p.Asp392His)

Gene: GABRB2 (gamma-aminobutyric acid type A receptor subunit beta2; minus strand). Cytogenetic location: 5q34.
Variant type: single nucleotide variant.
Coding change: c.1174G>C on transcript NM_001371727.1 (MANE Select); coding-DNA position 1174, G replaced by C.
Protein change: p.Asp392His; replaces aspartic acid 392 with histidine.
Molecular consequence: missense variant. On other transcripts: intron variant (1).
Genome position (GRCh38, 1-based): chr5:161,326,385, C>G on the plus strand (G>C on the coding strand, the complement: GABRB2 is on the minus strand). VCF-style: chr5-161326385-C-G. GRCh37 (hg19) VCF-style: chr5-160753392-C-G.
Other names: c.1174G>C, p.Asp392His (NM_021911.3); c.1077+4498G>C (NM_000813.3); short protein forms D392H.
Identifiers: ClinVar variation 1040588 (VCV001040588.9), dbSNP rs150956270, ClinGen allele CA362174246.

ClinVar aggregate classification (germline): Uncertain significance (1 of 4 stars; one submission).

Conditions:
Intellectual disability. Also called: Intellectual functioning disability; Intellectual developmental disorder; intellectual disabilities. Identifiers: MedGen C3714756, MeSH D008607, MONDO:0001071, HP:0001249.

Submission:

Labcorp Genetics (formerly Invitae), Labcorp
Classification: Uncertain significance for Intellectual disability. Last evaluated: 2020-01-26. Review status: criteria provided, single submitter. Criteria: Invitae Variant Classification Sherloc (09022015). Collection method: clinical testing. Allele origin: germline.
Comment: This variant has not been reported in the literature in individuals with GABRB2-related disease. This sequence change replaces aspartic acid with histidine at codon 392 of the GABRB2 protein (p.Asp392His). The aspartic acid residue is weakly conserved and there is a moderate physicochemical difference between aspartic acid and histidine. This variant is not present in population databases (ExAC no frequency). Algorithms developed to predict the effect of missense changes on protein structure and function (SIFT, PolyPhen-2, Align-GVGD) all suggest that this variant is likely to be tolerated, but these predictions have not been confirmed by published functional studies and their clinical significance is uncertain. In summary, the available evidence is currently insufficient to determine the role of this variant in disease. Therefore, it has been classified as a Variant of Uncertain Significance.